The following is an entry in ClinVar:

ClinVar aggregate classification (germline): Uncertain significance (1 of 4 stars; one submission).

Submission:

GeneDx
Classification: Uncertain significance. Last evaluated: 2020-07-22. Review status: criteria provided, single submitter. Criteria: GeneDx Variant Classification Process June 2021. Collection method: clinical testing. Allele origin: germline. Affected: yes.
Comment: Not observed in large population cohorts (Lek et al., 2016); In silico analysis supports that this missense variant does not alter protein structure/function; Has not been previously published as pathogenic or benign to our knowledge

NM_005765.3(ATP6AP2):c.838A>G (p.Ile280Val)

Gene: ATP6AP2 (ATPase H+ transporting accessory protein 2; plus strand). Cytogenetic location: Xp11.4.
Variant type: single nucleotide variant.
Coding change: c.838A>G on transcript NM_005765.3 (MANE Select); coding-DNA position 838, A replaced by G.
Protein change: p.Ile280Val; replaces isoleucine 280 with valine.
Molecular consequence: missense variant.
Genome position (GRCh38, 1-based): chrX:40,600,861, A>G. VCF-style: chrX-40600861-A-G. GRCh37 (hg19) VCF-style: chrX-40460113-A-G.
Other names: short protein forms I280V.
Identifiers: ClinVar variation 1313111 (VCV001313111.2), dbSNP rs2146544217, ClinGen allele CA412757831.